The following is an entry in ClinVar:

NM_138459.5(NUS1):c.-118_159del (p.Met1fs)

Gene: NUS1 (NUS1 dehydrodolichyl diphosphate synthase subunit; plus strand). Cytogenetic location: 6q22.1.
Variant type: Deletion.
Coding change: c.-118_159del on transcript NM_138459.5 (MANE Select); 118 bases upstream of the start codon through coding-DNA position 159, 277 bases deleted.
Protein change: p.Met1fs; shifts the reading frame from methionine 1.
Molecular consequence: frameshift variant, initiator codon variant.
Genome position (GRCh38, 1-based): chr6:117,675,553-117,675,829, 277 bases deleted. GRCh37 (hg19): chr6:117,996,716-117,996,992.
Other names: short protein forms M1fs.
Identifiers: ClinVar variation 2844281 (VCV002844281.3), dbSNP rs2481981792, ClinGen allele CA2739266054.

ClinVar aggregate classification (germline): Likely pathogenic (1 of 4 stars; one submission).

Conditions:
Congenital disorder of glycosylation, type Iaa. Also called: Congenital disorder of glycosylation, type 1aa. Identifiers: MedGen C4310727, MONDO:0014904, OMIM 617082.

Submission:

Labcorp Genetics (formerly Invitae), Labcorp
Classification: Likely pathogenic for Congenital disorder of glycosylation, type Iaa. Last evaluated: 2023-03-08. Review status: criteria provided, single submitter. Criteria: Invitae Variant Classification Sherloc (09022015). Collection method: clinical testing. Allele origin: germline.
Comment: This variant disrupts a region of the NUS1 protein in which other variant(s) (p.Gly3Arg) have been observed in individuals with NUS1-related conditions (Invitae). This suggests that this is a clinically significant region of the protein, and that variants that disrupt it are likely to be disease-causing. In summary, the currently available evidence indicates that the variant is pathogenic, but additional data are needed to prove that conclusively. Therefore, this variant has been classified as Likely Pathogenic. Algorithms developed to predict the effect of sequence changes on RNA splicing suggest that this variant may disrupt the consensus splice site. This variant has not been reported in the literature in individuals affected with NUS1-related conditions. This variant is not present in population databases (gnomAD no frequency). This sequence change affects the initiator methionine of the NUS1 mRNA. The next in-frame methionine is located at codon 85.